The following is an entry in ClinVar:

ClinVar aggregate classification (germline): Uncertain significance (1 of 4 stars; one submission).

Conditions:
Tuberous sclerosis syndrome (TSC). Also called: Tuberous Sclerosis Complex; Tuberous sclerosis. Identifiers: Orphanet 805, MedGen C0041341, MONDO:0001734.

Submission:

All of Us Research Program, National Institutes of Health
Classification: Uncertain significance for Tuberous sclerosis syndrome. Last evaluated: 2023-11-30. Review status: criteria provided, single submitter. Criteria: ACMG Guidelines, 2015. Collection method: clinical testing. Allele origin: germline. Inheritance: Autosomal dominant inheritance. Observed: 1 variant allele, 1 heterozygote.
Comment: This study involves interpretation of variants in research participants for the purpose of population health screening. Participant phenotype was not available at the time of variant classification. Additional details can be found in publication PMID: 35346344, PMCID: PMC8962531

NM_000548.5(TSC2):c.5068+22_5068+23insTGTGCAGGAAAGGTAGGGCCGGGTGGGGCCCTGCAGTGCAGGAAAGGTAGGGCCGGGTGGGGCCCTGC

Gene: TSC2 (TSC complex subunit 2; plus strand). Cytogenetic location: 16p13.3.
Variant type: Insertion.
Coding change: c.5068+22_5068+23insTGTGCAGGAAAGGTAGGGCCGGGTGGGGCCCTGCAGTGCAGGAAAGGTAGGGCCGGGTGGGGCCCTGC on transcript NM_000548.5 (MANE Select); bases 22 to 23 of the intron after coding-DNA position 5068, TGTGCAGGAAAGGTAGGGCCGGGTGGGGCCCTGCAGTGCAGGAAAGGTAGGGCCGGGTGGGGCCCTGC inserted.
Molecular consequence: splice donor variant.
Genome position: GRCh38: chr16:2,087,963-2,087,964. GRCh37 (hg19): chr16:2,137,964-2,137,965.
Other names: c.3526+22_3526+23insTGTGCAGGAAAGGTAGGGCCGGGTGGGGCCCTGCAGTGCAGGAAAGGTAGGGCCGGGTGGGGCCCTGC (NM_001406693.1, NM_001406692.1, NM_001406694.1); c.4960+22_4960+23insTGTGCAGGAAAGGTAGGGCCGGGTGGGGCCCTGCAGTGCAGGAAAGGTAGGGCCGGGTGGGGCCCTGC (NM_001406667.1); c.4957+22_4957+23insTGTGCAGGAAAGGTAGGGCCGGGTGGGGCCCTGCAGTGCAGGAAAGGTAGGGCCGGGTGGGGCCCTGC (NM_001406668.1); c.4468+22_4468+23insTGTGCAGGAAAGGTAGGGCCGGGTGGGGCCCTGCAGTGCAGGAAAGGTAGGGCCGGGTGGGGCCCTGC (NM_001406680.1); c.4399+22_4399+23insTGTGCAGGAAAGGTAGGGCCGGGTGGGGCCCTGCAGTGCAGGAAAGGTAGGGCCGGGTGGGGCCCTGC (NM_001406683.1, NM_001406682.1); c.4267+22_4267+23insTGTGCAGGAAAGGTAGGGCCGGGTGGGGCCCTGCAGTGCAGGAAAGGTAGGGCCGGGTGGGGCCCTGC (NM_001406687.1, NM_001406688.1); c.3655+22_3655+23insTGTGCAGGAAAGGTAGGGCCGGGTGGGGCCCTGCAGTGCAGGAAAGGTAGGGCCGGGTGGGGCCCTGC (NM_001406689.1); c.3595+22_3595+23insTGTGCAGGAAAGGTAGGGCCGGGTGGGGCCCTGCAGTGCAGGAAAGGTAGGGCCGGGTGGGGCCCTGC (NM_001406690.1); and 26 more.
Identifiers: ClinVar variation 3073059 (VCV003073059.1), dbSNP rs2544465021, ClinGen allele CA2825002347.